The following is an entry in ClinVar:

NM_014669.5(NUP93):c.660T>G (p.Ile220Met)

Gene: NUP93 (nucleoporin 93; plus strand). Cytogenetic location: 16q13.
Variant type: single nucleotide variant.
Coding change: c.660T>G on transcript NM_014669.5 (MANE Select); coding-DNA position 660, T replaced by G.
Protein change: p.Ile220Met; replaces isoleucine 220 with methionine.
Molecular consequence: missense variant.
Genome position (GRCh38, 1-based): chr16:56,823,712, T>G. VCF-style: chr16-56823712-T-G. GRCh37 (hg19) VCF-style: chr16-56857624-T-G.
Other names: c.291T>G, p.Ile97Met (NM_001242795.2, NM_001242796.2); short protein forms I220M, I97M.
Identifiers: ClinVar variation 2636151 (VCV002636151.1), dbSNP rs374124744, ClinGen allele CA8068187.

ClinVar aggregate classification (germline): Uncertain significance (1 of 4 stars; one submission).

Conditions:
NUP93-related disorder. Also called: NUP93-related condition.

Allele frequency attached by ClinVar (database versions not stated): TOPMed 0.00003; ESP Exome Variant Server 0.00008; gnomAD 0.00008; gnomAD exomes 0.00010; ExAC 0.00017; 1000 Genomes Project 30x 0.00031; 1000 Genomes Project 0.00040.
gnomAD v4.1: 157 of 1,614,094 alleles (0.0097%); highest among the groups gnomAD compares: South Asian, 0.15%; 2 homozygotes.

Submission:

PreventionGenetics, part of Exact Sciences
Classification: Uncertain significance for NUP93-related condition. Last evaluated: 2023-07-27. Review status: criteria provided, single submitter. Criteria: ACMG Guidelines, 2015. Collection method: clinical testing. Allele origin: germline.
Comment: The NUP93 c.660T>G variant is predicted to result in the amino acid substitution p.Ile220Met. To our knowledge, this variant has not been reported in the literature. This variant is reported in 0.15% of alleles in individuals of South Asian descent in gnomAD. Although we suspect that this variant may be benign, at this time, the clinical significance of this variant is uncertain due to the absence of conclusive functional and genetic evidence.